The following is an entry in ClinVar:

ClinVar aggregate classification (germline): Uncertain significance (1 of 4 stars; one submission).

Conditions:
Autosomal dominant nocturnal frontal lobe epilepsy 5. Also called: Epilepsy, nocturnal frontal lobe, 5; KCNT1-Related Epilepsy; CILIARY DYSKINESIA, PRIMARY, 28, WITHOUT SITUS INVERSUS; CILIARY DYSKINESIA, PRIMARY, 28, WITH SITUS INVERSUS. Identifiers: Orphanet 98784, MedGen C3554306, MONDO:0014002, OMIM 615005.
Developmental and epileptic encephalopathy, 14 (DEE14). Also called: Early infantile epileptic encephalopathy 14. Identifiers: Orphanet 293181, MedGen C3554195, MONDO:0013989, OMIM 614959.

Submission:

Labcorp Genetics (formerly Invitae), Labcorp
Classification: Uncertain significance for Autosomal dominant nocturnal frontal lobe epilepsy 5; Developmental and epileptic encephalopathy, 14. Last evaluated: 2023-06-23. Review status: criteria provided, single submitter. Criteria: Invitae Variant Classification Sherloc (09022015). Collection method: clinical testing. Allele origin: germline.
Comment: This sequence change replaces proline, which is neutral and non-polar, with arginine, which is basic and polar, at codon 483 of the KCNT1 protein (p.Pro483Arg). In summary, the available evidence is currently insufficient to determine the role of this variant in disease. Therefore, it has been classified as a Variant of Uncertain Significance. Advanced modeling of protein sequence and biophysical properties (such as structural, functional, and spatial information, amino acid conservation, physicochemical variation, residue mobility, and thermodynamic stability) has been performed at Invitae for this missense variant, however the output from this modeling did not meet the statistical confidence thresholds required to predict the impact of this variant on KCNT1 protein function. This variant has not been reported in the literature in individuals affected with KCNT1-related conditions. This variant is not present in population databases (gnomAD no frequency).

NM_020822.3(KCNT1):c.1448C>G (p.Pro483Arg)

Gene: KCNT1 (potassium sodium-activated channel subfamily T member 1; plus strand). Cytogenetic location: 9q34.3.
Variant type: single nucleotide variant.
Coding change: c.1448C>G on transcript NM_020822.3 (MANE Select); coding-DNA position 1448, C replaced by G.
Protein change: p.Pro483Arg; replaces proline 483 with arginine.
Molecular consequence: missense variant.
Genome position (GRCh38, 1-based): chr9:135,768,875, C>G. VCF-style: chr9-135768875-C-G. GRCh37 (hg19) VCF-style: chr9-138660721-C-G.
Other names: c.1313C>G, p.Pro438Arg (NM_001272003.2); short protein forms P438R, P483R.
Identifiers: ClinVar variation 2949234 (VCV002949234.3), dbSNP rs2490945116, ClinGen allele CA375505411.